The following is an entry in ClinVar:

NM_006767.4(LZTR1):c.594G>C (p.Arg198Ser)

Gene: LZTR1 (leucine zipper like post translational regulator 1; plus strand). Cytogenetic location: 22q11.21.
Variant type: single nucleotide variant.
Coding change: c.594G>C on transcript NM_006767.4 (MANE Select); coding-DNA position 594, G replaced by C.
Protein change: p.Arg198Ser; replaces arginine 198 with serine.
Molecular consequence: missense variant.
Genome position (GRCh38, 1-based): chr22:20,989,625, G>C. VCF-style: chr22-20989625-G-C. GRCh37 (hg19) VCF-style: chr22-21343914-G-C.
Other names: short protein forms R198S.
Identifiers: ClinVar variation 1426456 (VCV001426456.8), dbSNP rs1193374192, ClinGen allele CA410780267.

ClinVar aggregate classification (germline): Uncertain significance (1 of 4 stars; one submission).

Allele frequency attached by ClinVar (database versions not stated): TOPMed below 0.00001.

Submission:

Labcorp Genetics (formerly Invitae), Labcorp
Classification: Uncertain significance. Last evaluated: 2021-05-07. Review status: criteria provided, single submitter. Criteria: Invitae Variant Classification Sherloc (09022015). Collection method: clinical testing. Allele origin: germline.
Comment: In summary, the available evidence is currently insufficient to determine the role of this variant in disease. Therefore, it has been classified as a Variant of Uncertain Significance. Algorithms developed to predict the effect of sequence changes on RNA splicing suggest that this variant may disrupt the consensus splice site, but this prediction has not been confirmed by published transcriptional studies. Algorithms developed to predict the effect of missense changes on protein structure and function (SIFT, PolyPhen-2, Align-GVGD) all suggest that this variant is likely to be disruptive, but these predictions have not been confirmed by published functional studies and their clinical significance is uncertain. This variant has not been reported in the literature in individuals with LZTR1-related conditions. This variant is not present in population databases (ExAC no frequency). This sequence change replaces arginine with serine at codon 198 of the LZTR1 protein (p.Arg198Ser). The arginine residue is highly conserved and there is a moderate physicochemical difference between arginine and serine.